The following is an entry in ClinVar:

ClinVar aggregate classification (germline): Pathogenic/Likely pathogenic. Review status: criteria provided, multiple submitters, no conflicts (2 of 4 stars). 3 submissions from 3 submitters: Pathogenic (1); Likely pathogenic (2). Last evaluated 2025-05-11.

Conditions:
CDHR1-related disorders.
CDHR1-related disorder. Also called: CDHR1-related condition.

Allele frequency attached by ClinVar (database versions not stated): gnomAD exomes below 0.00001; ExAC 0.00001; gnomAD 0.00001; TOPMed 0.00001; ESP Exome Variant Server 0.00008.

Submissions (3):

Labcorp Genetics (formerly Invitae), Labcorp
Classification: Pathogenic. Last evaluated: 2025-05-11. Review status: criteria provided, single submitter. Criteria: Invitae Variant Classification Sherloc (09022015). Collection method: clinical testing. Allele origin: germline.
Comment: This sequence change creates a premature translational stop signal (p.Thr448Asnfs*20) in the CDHR1 gene. It is expected to result in an absent or disrupted protein product. Loss-of-function variants in CDHR1 are known to be pathogenic (PMID: 23044944, 23591405, 26103963, 26261414). This variant is present in population databases (rs750895925, gnomAD 0.002%). This variant has not been reported in the literature in individuals affected with CDHR1-related conditions. ClinVar contains an entry for this variant (Variation ID: 1075251). For these reasons, this variant has been classified as Pathogenic.

PreventionGenetics, part of Exact Sciences
Classification: Likely pathogenic for CDHR1-related condition. Last evaluated: 2023-03-15. Review status: criteria provided, single submitter. Criteria: ACMG Guidelines, 2015. Collection method: clinical testing. Allele origin: germline.
Comment: The CDHR1 c.1342dupA variant is predicted to result in a frameshift and premature protein termination (p.Thr448Asnfs*20). To our knowledge, this variant has not been reported in the literature. This variant is reported in 0.0015% of alleles in individuals of European (Non-Finnish) descent in gnomAD. Frameshift variants in CDHR1 are expected to be pathogenic. Therefore, this variant is interpreted as likely pathogenic.

Blueprint Genetics
Classification: Likely pathogenic for CDHR1-related disorders. Last evaluated: 2021-02-03. Review status: criteria provided, single submitter. Criteria: ACMG Guidelines, 2015. Collection method: clinical testing. Allele origin: germline. Affected: yes. Observed: 1 variant allele.

Literature cited by the submitters: PubMed 23044944 (cited by Labcorp Genetics (formerly Invitae), Labcorp); PubMed 23591405 (cited by Labcorp Genetics (formerly Invitae), Labcorp); PubMed 26103963 (cited by Labcorp Genetics (formerly Invitae), Labcorp); PubMed 26261414 (cited by Labcorp Genetics (formerly Invitae), Labcorp).

NM_033100.4(CDHR1):c.1342dup (p.Thr448fs)

Gene: CDHR1 (cadherin related family member 1; plus strand). Cytogenetic location: 10q23.1.
Variant type: Duplication.
Coding change: c.1342dup on transcript NM_033100.4 (MANE Select); coding-DNA position 1342, one base duplicated (A; older notation c.1342dupA).
Protein change: p.Thr448fs; shifts the reading frame from threonine 448.
Molecular consequence: frameshift variant.
Genome position (GRCh38, 1-based): chr10:84,211,022, A duplicated. VCF-style (leftmost placement, unchanged base first): chr10-84211021-C-CA. GRCh37 (hg19) VCF-style: chr10-85970777-C-CA.
Other names: c.1342dup, p.Thr448fs (NM_001171971.3); c.1342dupA (NM_033100.3); short protein forms T448fs.
Identifiers: ClinVar variation 1075251 (VCV001075251.8), dbSNP rs750895925, ClinGen allele CA5579915.
Genomic context (GRCh38, chr10:84,211,021, plus strand): 5'-GTGCCTACCCAGACAAGTCCCCATTTTCCCCCCTTCCCAGCTCCTGGCTGTTGAAGTGAA[C>CA]ACCCCAGAGAAGTTCAGTTCCACAGCGGATGTTGTGATCCAGCTCCTGGACACCAATGAC-3'